The following is an entry in ClinVar:

NM_172107.4(KCNQ2):c.294C>G (p.Tyr98Ter)

Gene: KCNQ2 (potassium voltage-gated channel subfamily Q member 2; minus strand). Cytogenetic location: 20q13.33.
Variant type: single nucleotide variant.
Coding change: c.294C>G on transcript NM_172107.4 (MANE Select); coding-DNA position 294, C replaced by G.
Protein change: p.Tyr98Ter; replaces tyrosine 98 with a stop codon.
Molecular consequence: nonsense.
Genome position (GRCh38, 1-based): chr20:63,472,170, G>C on the plus strand (C>G on the coding strand, the complement: KCNQ2 is on the minus strand). VCF-style: chr20-63472170-G-C. GRCh37 (hg19) VCF-style: chr20-62103523-G-C.
Other names: p.Y98*:TAC>TAG; c.294C>G, p.Tyr98Ter (NM_004518.6, NM_172106.3, NM_172108.5 and 1 more transcripts); short protein forms Y98*.
Identifiers: ClinVar variation 205860 (VCV000205860.2), dbSNP rs796052614, ClinGen allele CA315345.

ClinVar aggregate classification (germline): Pathogenic (1 of 4 stars; one submission).

Submission:

GeneDx
Classification: Pathogenic. Last evaluated: 2013-05-28. Review status: criteria provided, single submitter. Criteria: GeneDx Variant Classification (06012015). Collection method: clinical testing. Allele origin: germline. Affected: yes.
Comment: p.Tyr98Stop (TAC>TAG): c.294 C>G in exon 1 of the KCNQ2 gene (NM_172107.2)The Tyr98Stop nonsense mutation in the KCNQ2 gene is predicted to cause loss of normal protein function either through protein truncation or nonsense-mediated mRNA decay. Although this mutation has not been reported previously to our knowledge, other nonsense mutations have been reported in the KCNQ2 gene. The variant is found in INFANT-EPI panel(s).